The following is an entry in ClinVar:

NM_005902.4(SMAD3):c.608-15T>C

Gene: SMAD3 (SMAD family member 3; plus strand). Cytogenetic location: 15q22.33.
Variant type: single nucleotide variant.
Coding change: c.608-15T>C on transcript NM_005902.4 (MANE Select); 15 bases into the intron before coding-DNA position 608, T replaced by C.
Molecular consequence: intron variant.
Genome position (GRCh38, 1-based): chr15:67,170,539, T>C. VCF-style: chr15-67170539-T-C. GRCh37 (hg19) VCF-style: chr15-67462877-T-C.
Other names: c.293-15T>C (NM_001145102.2); c.476-15T>C (NM_001145103.2); c.23-15T>C (NM_001145104.2).
Identifiers: ClinVar variation 390650 (VCV000390650.11), dbSNP rs371614939, ClinGen allele CA062416.

ClinVar aggregate classification (germline): Benign/Likely benign. Review status: criteria provided, multiple submitters, no conflicts (2 of 4 stars). 4 submissions from 4 submitters: Benign (1); Likely benign (3). Last evaluated 2026-02-01.

Conditions:
Familial thoracic aortic aneurysm and aortic dissection (TAAD). Also called: Thoracic aortic aneurysms and dissections. Identifiers: Orphanet 91387, MedGen C4707243, MONDO:0019625.

Allele frequency attached by ClinVar (database versions not stated): ExAC 0.00003; gnomAD 0.00004; gnomAD exomes 0.00005 and 0.00009; TOPMed 0.00007; ESP Exome Variant Server 0.00008.
gnomAD v4.1: 140 of 1,612,544 alleles (0.0087%); highest among the groups gnomAD compares: Non-Finnish European, 0.011%; no homozygotes.

Submissions (4):

Labcorp Genetics (formerly Invitae), Labcorp
Classification: Likely benign for Familial thoracic aortic aneurysm and aortic dissection. Last evaluated: 2026-02-01. Review status: criteria provided, single submitter. Criteria: Invitae Variant Classification Sherloc (09022015). Collection method: clinical testing. Allele origin: germline.

Women's Health and Genetics/Laboratory Corporation of America, LabCorp
Classification: Benign. Last evaluated: 2023-05-28. Review status: criteria provided, single submitter. Criteria: LabCorp Variant Classification Summary - May 2015. Collection method: clinical testing. Allele origin: germline.

Color Diagnostics, LLC DBA Color Health
Classification: Likely benign for Familial thoracic aortic aneurysm and aortic dissection. Last evaluated: 2018-06-18. Review status: criteria provided, single submitter. Criteria: ACMG Guidelines, 2015. Collection method: clinical testing. Allele origin: germline.

GeneDx
Classification: Likely benign. Last evaluated: 2016-11-08. Review status: criteria provided, single submitter. Criteria: GeneDx Variant Classification (06012015). Collection method: clinical testing. Allele origin: germline. Affected: yes.
Comment: This variant is considered likely benign or benign based on one or more of the following criteria: it is a conservative change, it occurs at a poorly conserved position in the protein, it is predicted to be benign by multiple in silico algorithms, and/or has population frequency not consistent with disease.